The following is an entry in ClinVar:

ClinVar aggregate classification (germline): Uncertain significance (1 of 4 stars; one submission).

Conditions:
Cardiovascular phenotype. Identifiers: MedGen CN230736.

gnomAD v4.1: 4 of 1,614,182 alleles (0.00025%); highest among the groups gnomAD compares: East Asian, 0.0089%; no homozygotes.

Submission:

Ambry Genetics
Classification: Uncertain significance for Cardiovascular phenotype. Last evaluated: 2025-09-18. Review status: criteria provided, single submitter. Criteria: Ambry Variant Classification Scheme 2023. Collection method: clinical testing. Allele origin: germline.
Comment: The p.K825Q variant (also known as c.2473A>C), located in coding exon 16 of the CBL gene, results from an A to C substitution at nucleotide position 2473. The lysine at codon 825 is replaced by glutamine, an amino acid with similar properties. This amino acid position is conserved. In addition, the in silico prediction for this alteration is inconclusive. Based on the available evidence, the clinical significance of this variant remains unclear.

NM_005188.4(CBL):c.2473A>C (p.Lys825Gln)

Gene: CBL (Cbl proto-oncogene; plus strand). Cytogenetic location: 11q23.3.
Variant type: single nucleotide variant.
Coding change: c.2473A>C on transcript NM_005188.4 (MANE Select); coding-DNA position 2473, A replaced by C.
Protein change: p.Lys825Gln; replaces lysine 825 with glutamine.
Molecular consequence: missense variant.
Genome position (GRCh38, 1-based): chr11:119,299,533, A>C. VCF-style: chr11-119299533-A-C. GRCh37 (hg19) VCF-style: chr11-119170243-A-C.
Other names: short protein forms K825Q.
Identifiers: ClinVar variation 4613814 (VCV004613814.1).